The following is an entry in ClinVar:

ClinVar aggregate classification (germline): Uncertain significance. Review status: criteria provided, multiple submitters, no conflicts (2 of 4 stars). 2 submissions from 2 submitters: Uncertain significance (2). Last evaluated 2025-02-25.

Conditions:
Inborn genetic diseases. Identifiers: MedGen C0950123, MeSH D030342.

Allele frequency attached by ClinVar (database versions not stated): gnomAD exomes 0.00001; gnomAD 0.00002; TOPMed 0.00002.
gnomAD v4.1: 24 of 1,614,032 alleles (0.0015%); highest among the groups gnomAD compares: Non-Finnish European, 0.002%; no homozygotes.

Submissions (2):

Ambry Genetics
Classification: Uncertain significance for Inborn genetic diseases. Last evaluated: 2025-02-25. Review status: criteria provided, single submitter. Criteria: Ambry Variant Classification Scheme 2023. Collection method: clinical testing. Allele origin: germline.

Labcorp Genetics (formerly Invitae), Labcorp
Classification: Uncertain significance. Last evaluated: 2021-06-29. Review status: criteria provided, single submitter. Criteria: Invitae Variant Classification Sherloc (09022015). Collection method: clinical testing. Allele origin: germline.
Comment: In summary, the available evidence is currently insufficient to determine the role of this variant in disease. Therefore, it has been classified as a Variant of Uncertain Significance. Algorithms developed to predict the effect of missense changes on protein structure and function are either unavailable or do not agree on the potential impact of this missense change (SIFT: "Deleterious"; PolyPhen-2: "Probably Damaging"; Align-GVGD: "Class C0"). This variant has not been reported in the literature in individuals with TJP2-related conditions. This variant is not present in population databases (ExAC no frequency). This sequence change replaces isoleucine with threonine at codon 609 of the TJP2 protein (p.Ile609Thr). The isoleucine residue is highly conserved and there is a moderate physicochemical difference between isoleucine and threonine.

NM_004817.4(TJP2):c.1826T>C (p.Ile609Thr)

Gene: TJP2 (tight junction protein 2; plus strand). Cytogenetic location: 9q21.11.
Variant type: single nucleotide variant.
Coding change: c.1826T>C on transcript NM_004817.4 (MANE Select); coding-DNA position 1826, T replaced by C.
Protein change: p.Ile609Thr; replaces isoleucine 609 with threonine.
Molecular consequence: missense variant.
Genome position (GRCh38, 1-based): chr9:69,236,073, T>C. VCF-style: chr9-69236073-T-C. GRCh37 (hg19) VCF-style: chr9-71850989-T-C.
Other names: c.1826T>C (NM_004817.3); c.1757T>C, p.Ile586Thr (NM_001170414.2, NM_001369871.1); c.1838T>C, p.Ile613Thr (NM_001170415.1, NM_001369874.1, NM_001369875.1); c.1919T>C, p.Ile640Thr (NM_001170416.2); c.1751T>C, p.Ile584Thr (NM_001369870.1); c.1826T>C, p.Ile609Thr (NM_001369872.1, NM_001369873.1, NM_201629.3); short protein forms I586T, I613T, I640T, I609T, I584T.
Identifiers: ClinVar variation 1348017 (VCV001348017.9), dbSNP rs929371716, ClinGen allele CA193371537.